The following is an entry in ClinVar:

NM_031407.7(HUWE1):c.1760A>G (p.His587Arg)

Gene: HUWE1 (HECT, UBA and WWE domain containing E3 ubiquitin protein ligase 1; minus strand). Cytogenetic location: Xp11.22.
Variant type: single nucleotide variant.
Coding change: c.1760A>G on transcript NM_031407.7 (MANE Select); coding-DNA position 1760, A replaced by G.
Protein change: p.His587Arg; replaces histidine 587 with arginine.
Molecular consequence: missense variant.
Genome position (GRCh38, 1-based): chrX:53,617,359, T>C on the plus strand (A>G on the coding strand, the complement: HUWE1 is on the minus strand). VCF-style: chrX-53617359-T-C. GRCh37 (hg19) VCF-style: chrX-53644320-T-C.
Other names: short protein forms H587R.
Identifiers: ClinVar variation 3235189 (VCV003235189.3), dbSNP rs2527503170.
Genomic context (GRCh38, chrX:53,617,359, plus strand): 5'-CGCCCTAAGACATTCTTTACAGAGTAGCAGAAAAGACTTACATCTTTGATAAGCAGTGCA[T>C]GCAGCATGACATCTGTCAATCCATTGTCCTGGAGTGAGGAGAGCAGTGATGGTTCTTGAA-3'
Protein context (NP_113584.3, residues 577-597): QDNGLTDVML[His587Arg]ALLIKDVPAT

ClinVar aggregate classification (germline): Uncertain significance. Review status: criteria provided, multiple submitters, no conflicts (2 of 4 stars). 2 submissions from 2 submitters: Uncertain significance (2). Last evaluated 2024-09-29.

Conditions:
Intellectual developmental disorder, X-linked, syndromic, Turner type. Also called: X-linked intellectual disability, Turner type; Intellectual disability, X-linked syndromic, Turner type. Identifiers: Orphanet 3056, Orphanet 85328, MedGen C2678046, MONDO:0010407, OMIM 309590.

Submissions (2):

Labcorp Genetics (formerly Invitae), Labcorp
Classification: Uncertain significance. Last evaluated: 2024-09-29. Review status: criteria provided, single submitter. Criteria: Invitae Variant Classification Sherloc (09022015). Collection method: clinical testing. Allele origin: germline.
Comment: This sequence change replaces histidine, which is basic and polar, with arginine, which is basic and polar, at codon 587 of the HUWE1 protein (p.His587Arg). This variant is not present in population databases (gnomAD no frequency). This variant has not been reported in the literature in individuals affected with HUWE1-related conditions. Invitae Evidence Modeling of protein sequence and biophysical properties (such as structural, functional, and spatial information, amino acid conservation, physicochemical variation, residue mobility, and thermodynamic stability) has been performed for this missense variant. However, the output from this modeling did not meet the statistical confidence thresholds required to predict the impact of this variant on HUWE1 protein function. In summary, the available evidence is currently insufficient to determine the role of this variant in disease. Therefore, it has been classified as a Variant of Uncertain Significance.

MVZ Medizinische Genetik Mainz
Classification: Uncertain significance for Intellectual developmental disorder, X-linked, syndromic, Turner type. Last evaluated: 2022-12-02. Review status: criteria provided, single submitter. Criteria: UK Practice Guidelines For Variant Classification V4 01 2020. Collection method: clinical testing. Allele origin: germline. Inheritance: Unknown mechanism. Affected: yes. Observed: 1 variant allele.
Comment: ACMG Criteria: PM2_SUP,PP2,BP4